The following is an entry in ClinVar:

ClinVar aggregate classification (germline): Uncertain significance. Review status: criteria provided, multiple submitters, no conflicts (2 of 4 stars). 2 submissions from 2 submitters: Uncertain significance (2). Last evaluated 2026-08-12.

Conditions:
Hereditary cancer-predisposing syndrome. Also called: Hereditary Cancer Syndrome; Neoplastic Syndromes, Hereditary; Hereditary neoplastic syndrome; Tumor predisposition. Identifiers: Orphanet 140162, MedGen C0027672, MeSH D009386, MONDO:0015356.
Neuroblastoma, susceptibility to, 3. Also called: ALK-Related Neuroblastic Tumor Susceptibility. Identifiers: Orphanet 635, MedGen C2751681, MONDO:0013083, OMIM 613014.

Submissions (2):

Ambry Genetics
Classification: Uncertain significance for Hereditary cancer-predisposing syndrome. Last evaluated: 2026-08-12. Review status: criteria provided, single submitter. Criteria: Ambry Variant Classification Scheme 2023. Collection method: clinical testing. Allele origin: germline.
Comment: The p.M1056T variant (also known as c.3167T>C), located in coding exon 19 of the ALK gene, results from a T to C substitution at nucleotide position 3167. The methionine at codon 1056 is replaced by threonine, an amino acid with similar properties. This amino acid position is highly conserved in available vertebrate species. In addition, the in silico prediction for this alteration is inconclusive. Based on the available evidence, the clinical significance of this variant remains unclear.

Labcorp Genetics (formerly Invitae), Labcorp
Classification: Uncertain significance for Neuroblastoma, susceptibility to, 3. Last evaluated: 2021-01-11. Review status: criteria provided, single submitter. Criteria: Invitae Variant Classification Sherloc (09022015). Collection method: clinical testing. Allele origin: germline.
Comment: This sequence change replaces methionine with threonine at codon 1056 of the ALK protein (p.Met1056Thr). The methionine residue is highly conserved and there is a moderate physicochemical difference between methionine and threonine. In summary, the available evidence is currently insufficient to determine the role of this variant in disease. Therefore, it has been classified as a Variant of Uncertain Significance. Algorithms developed to predict the effect of missense changes on protein structure and function are either unavailable or do not agree on the potential impact of this missense change (SIFT: "Deleterious"; PolyPhen-2: "Benign"; Align-GVGD: "Class C65"). This variant has not been reported in the literature in individuals with ALK-related conditions. This variant is not present in population databases (ExAC no frequency).

NM_004304.5(ALK):c.3167T>C (p.Met1056Thr)

Gene: ALK (ALK receptor tyrosine kinase; minus strand). Cytogenetic location: 2p23.2.
Variant type: single nucleotide variant.
Coding change: c.3167T>C on transcript NM_004304.5 (MANE Select); coding-DNA position 3167, T replaced by C.
Protein change: p.Met1056Thr; replaces methionine 1056 with threonine.
Molecular consequence: missense variant.
Genome position (GRCh38, 1-based): chr2:29,225,466, A>G on the plus strand (T>C on the coding strand, the complement: ALK is on the minus strand). VCF-style: chr2-29225466-A-G. GRCh37 (hg19) VCF-style: chr2-29448332-A-G.
Other names: c.3167T>C (NM_004304.4); short protein forms M1056T.
Identifiers: ClinVar variation 1436772 (VCV001436772.9), dbSNP rs2148176295, ClinGen allele CA346466757.
Genomic context (GRCh38, chr2:29,225,466, plus strand): 5'-TATTCAGTCCTGCCTTCCTGCCCCCTTGGGAGTCCCTGGGGCTCTGTGCACTCACCAATC[A>G]TGATGCCGGAGAAAGCCAGGACCAGGGCGGCCACGAGGGCAGAGGTCACCACAGAGAGGA-3'
Protein context (NP_004295.2, residues 1046-1066): AALVLAFSGI[Met1056Thr]IVYRRKHQEL